The following is an entry in ClinVar:

ClinVar aggregate classification (germline): Uncertain significance (1 of 4 stars; one submission).

Conditions:
Hereditary spastic paraplegia 8 (SPG8). Also called: SPASTIC PARAPLEGIA 8, AUTOSOMAL DOMINANT. Identifiers: Orphanet 100989, MedGen C1863704, MONDO:0011339, OMIM 603563.
Ritscher-Schinzel syndrome. Also called: CRANIOCEREBELLOCARDIAC DYSPLASIA. Identifiers: Orphanet 7, MedGen C0796137, MONDO:0019078.

Submission:

Labcorp Genetics (formerly Invitae), Labcorp
Classification: Uncertain significance for Ritscher-Schinzel syndrome; Hereditary spastic paraplegia 8. Last evaluated: 2015-11-10. Review status: criteria provided, single submitter. Criteria: Invitae Variant Classification Sherloc (09022015). Collection method: clinical testing. Allele origin: germline.
Comment: In summary, this is a novel missense change with uncertain impact on protein function. It has been classified as a Variant of Uncertain Significance. Algorithms developed to predict the effect of missense changes on protein structure and function do not agree on the potential impact of this missense change (SIFT: "Deleterious"; PolyPhen-2: "Probably Damaging"; Align-GVGD: "Class C0"). This sequence change has not been published in the literature and is not present in population databases. This sequence change replaces glutamic acid with lysine at codon 713 of the KIAA0196 protein (p.Glu713Lys). The glutamic acid residue is moderately conserved and there is a small physicochemical difference between glutamic acid and lysine.

NM_014846.4(WASHC5):c.2137G>A (p.Glu713Lys)

Gene: WASHC5 (WASH complex subunit 5; minus strand). Cytogenetic location: 8q24.13.
Variant type: single nucleotide variant.
Coding change: c.2137G>A on transcript NM_014846.4 (MANE Select); coding-DNA position 2137, G replaced by A.
Protein change: p.Glu713Lys; replaces glutamic acid 713 with lysine.
Molecular consequence: missense variant.
Genome position (GRCh38, 1-based): chr8:125,050,626, C>T on the plus strand (G>A on the coding strand, the complement: WASHC5 is on the minus strand). VCF-style: chr8-125050626-C-T. GRCh37 (hg19) VCF-style: chr8-126062868-C-T.
Other names: c.1693G>A, p.Glu565Lys (NM_001330609.2); short protein forms E713K, E565K.
Identifiers: ClinVar variation 240929 (VCV000240929.9), dbSNP rs878854987, ClinGen allele CA10582555.
Genomic context (GRCh38, chr8:125,050,626, plus strand): 5'-TGGCTCGAGGGTTGAATATCAGTCCCCTATGCAGGGCAAAGGCAACGCGCTTCACAAGCT[C>T]TTTCCTTATTCCATCTTCCAGCAACTGCTTTGGATCCACCTAAGTGCCAATCAAAAGTAT-3'
Protein context (NP_055661.3, residues 703-723): KQLLEDGIRK[Glu713Lys]LVKRVAFALH